The following is an entry in ClinVar:

ClinVar aggregate classification (germline): Uncertain significance (1 of 4 stars; one submission).

Submission:

Labcorp Genetics (formerly Invitae), Labcorp
Classification: Uncertain significance. Last evaluated: 2025-02-06. Review status: criteria provided, single submitter. Criteria: Invitae Variant Classification Sherloc (09022015). Collection method: clinical testing. Allele origin: germline.
Comment: This sequence change creates a premature translational stop signal (p.Leu1640Valfs*2) in the IGSF10 gene. It is expected to result in an absent or disrupted protein product. However, the current clinical and genetic evidence is not sufficient to establish whether loss-of-function variants in IGSF10 cause disease. This variant is present in population databases (rs763665080, gnomAD 0.0009%). This variant has not been reported in the literature in individuals affected with IGSF10-related conditions. In summary, the available evidence is currently insufficient to determine the role of this variant in disease. Therefore, it has been classified as a Variant of Uncertain Significance.

NM_178822.5(IGSF10):c.4918_4919del (p.Leu1640fs)

Gene: IGSF10 (immunoglobulin superfamily member 10; minus strand). Cytogenetic location: 3q25.1.
Variant type: Deletion.
Coding change: c.4918_4919del on transcript NM_178822.5 (MANE Select); coding-DNA positions 4918 to 4919, 2 bases deleted (TT; older notation c.4918_4919delTT).
Protein change: p.Leu1640fs; shifts the reading frame from leucine 1640.
Molecular consequence: frameshift variant.
Genome position (GRCh38, 1-based): chr3:151,445,062-151,445,063, AA deleted on the plus strand (TT on the coding strand, the reverse complement: IGSF10 is on the minus strand); deleting any 2 consecutive bases within chr3:151,445,062-151,445,064 gives the same sequence; the c. name uses the placement nearest the transcript's 3' end. VCF-style (leftmost placement, unchanged base first): chr3-151445061-CAA-C. GRCh37 (hg19) VCF-style: chr3-151162849-CAA-C.
Other names: c.4918_4919del, p.Leu1640fs (NM_001385060.1, NM_001385061.1, NM_001385062.1 and 1 more transcripts); short protein forms L1640fs.
Identifiers: ClinVar variation 4751321 (VCV004751321.1).
Genomic context (GRCh38, chr3:151,445,061, plus strand): 5'-AATAGTAAAACTTGCAGCTTTTCCTCCAACTATCCTGGGCTTTTCAAATATATACCTAGA[CAA>C]AGAGTCAAAGGGAAGGAGTTTGGAAGTTGTTGCTTCTTGAACTGGTTTCTTATCAAAGTC-3'